The following is an entry in ClinVar:

NM_007294.4(BRCA1):c.316A>C (p.Asn106His)

Gene: BRCA1 (BRCA1 DNA repair associated; minus strand). Cytogenetic location: 17q21.31.
Variant type: single nucleotide variant.
Coding change: c.316A>C on transcript NM_007294.4 (MANE Select); coding-DNA position 316, A replaced by C.
Protein change: p.Asn106His; replaces asparagine 106 with histidine.
Molecular consequence: missense variant. On other transcripts: non-coding transcript variant (1).
Genome position (GRCh38, 1-based): chr17:43,104,247, T>G on the plus strand (A>C on the coding strand, the complement: BRCA1 is on the minus strand). VCF-style: chr17-43104247-T-G. GRCh37 (hg19) VCF-style: chr17-41256264-T-G.
Other names: c.106A>C, p.Asn36His (NM_001408485.1, NM_001408489.1, NM_001408490.1 and 58 more transcripts); c.316A>C, p.Asn106His (NM_001408494.1, NM_001408495.1, NM_007298.4 and 165 more transcripts); c.175A>C, p.Asn59His (NM_001408496.1, NM_001408497.1, NM_001408498.1 and 99 more transcripts); c.-66A>C (NM_001408510.1, NM_001408512.1, NM_001407959.1 and 4 more transcripts); c.307A>C, p.Asn103His (NM_001407646.1, NM_001407647.1, NM_001408408.1); c.238A>C, p.Asn80His (NM_001407653.1, NM_001407654.1, NM_001407655.1 and 21 more transcripts); c.184A>C, p.Asn62His (NM_001408451.1); short protein forms N106H, N59H, N36H, N80H, N103H, N62H.
Identifiers: ClinVar variation 186420 (VCV000186420.6), dbSNP rs786202937, ClinGen allele CA002067.
Genomic context (GRCh38, chr17:43,104,247, plus strand): 5'-GGATGATAGAAACTTCATCTTTTAGATGTTCAGGAGAGTTATTTTCCTTTTTTGCAAAAT[T>G]ATAGCTGTTTGCATCTGTAAAATACAAGGGAAAACATTATGTTTGCAGTTAGAGAAAAAT-3'
Protein context (NP_009225.1, residues 96-116): DTGLEYANSY[Asn106His]FAKKENNSPE

ClinVar aggregate classification (germline): Uncertain significance (1 of 4 stars; one submission).

Conditions:
Hereditary cancer-predisposing syndrome. Also called: Neoplastic Syndromes, Hereditary; Tumor predisposition; Hereditary Cancer Syndrome; Hereditary neoplastic syndrome. Identifiers: Orphanet 140162, MedGen C0027672, MeSH D009386, MONDO:0015356.

Allele frequency attached by ClinVar (database versions not stated): TOPMed below 0.00001.

Submission:

Ambry Genetics
Classification: Uncertain significance for Hereditary cancer-predisposing syndrome. Last evaluated: 2021-06-16. Review status: criteria provided, single submitter. Criteria: Ambry Variant Classification Scheme 2023. Collection method: clinical testing. Allele origin: germline.
Comment: The p.N106H variant (also known as c.316A>C), located in coding exon 5 of the BRCA1 gene, results from an A to C substitution at nucleotide position 316. The asparagine at codon 106 is replaced by histidine, an amino acid with similar properties. This amino acid position is not well conserved in available vertebrate species. In addition, the in silico prediction for this alteration is inconclusive. Since supporting evidence is limited at this time, the clinical significance of this alteration remains unclear.